The following is an entry in ClinVar:

NM_020338.4(ZMIZ1):c.1449G>A (p.Ser483=)

Gene: ZMIZ1 (zinc finger MIZ-type containing 1; plus strand). Cytogenetic location: 10q22.3.
Variant type: single nucleotide variant.
Coding change: c.1449G>A on transcript NM_020338.4 (MANE Select); coding-DNA position 1449, G replaced by A.
Protein change: p.Ser483=; no amino-acid change (serine 483 retained).
Molecular consequence: synonymous variant.
Genome position (GRCh38, 1-based): chr10:79,297,648, G>A. VCF-style: chr10-79297648-G-A. GRCh37 (hg19) VCF-style: chr10-81057405-G-A.
Other names: c.1449G>A (NM_020338.3).
Identifiers: ClinVar variation 2640637 (VCV002640637.28), dbSNP rs374912247, ClinGen allele CA5572685.

ClinVar aggregate classification (germline): Likely benign. Review status: criteria provided, multiple submitters, no conflicts (2 of 4 stars). 3 submissions from 3 submitters: Likely benign (3). Last evaluated 2025-10-31.

Conditions:
ZMIZ1-related disorder. Also called: ZMIZ1-related condition.

Allele frequency attached by ClinVar (database versions not stated): TOPMed 0.00003; gnomAD 0.00004; gnomAD exomes 0.00006; ESP Exome Variant Server 0.00008; ExAC 0.00010.
gnomAD v4.1: 97 of 1,613,950 alleles (0.006%); highest among the groups gnomAD compares: Non-Finnish European, 0.007%; no homozygotes.

Submissions (3):

PreventionGenetics, part of Exact Sciences
Classification: Likely benign for ZMIZ1-related condition. Last evaluated: 2025-10-31. Review status: criteria provided, single submitter. Criteria: ACMG Guidelines, 2015. Collection method: clinical testing. Allele origin: germline.
Comment: This variant is classified as likely benign based on ACMG/AMP sequence variant interpretation guidelines (Richards et al. 2015 PMID: 25741868, with internal and published modifications).

Labcorp Genetics (formerly Invitae), Labcorp
Classification: Likely benign. Last evaluated: 2023-10-23. Review status: criteria provided, single submitter. Criteria: Invitae Variant Classification Sherloc (09022015). Collection method: clinical testing. Allele origin: germline.

CeGaT Center for Human Genetics Tuebingen
Classification: Likely benign. Last evaluated: 2023-05-01. Review status: criteria provided, single submitter. Criteria: CeGaT Center For Human Genetics Tuebingen Variant Classification Criteria Version 2. Collection method: clinical testing. Allele origin: germline. Affected: yes. Observed: 1 variant allele.
Comment: ZMIZ1: BP4, BP7